The following is an entry in ClinVar:

NM_000138.5(FBN1):c.3316A>G (p.Met1106Val)

Gene: FBN1 (fibrillin 1; minus strand). Cytogenetic location: 15q21.1.
Variant type: single nucleotide variant.
Coding change: c.3316A>G on transcript NM_000138.5 (MANE Select); coding-DNA position 3316, A replaced by G.
Protein change: p.Met1106Val; replaces methionine 1106 with valine.
Molecular consequence: missense variant.
Genome position (GRCh38, 1-based): chr15:48,488,134, T>C on the plus strand (A>G on the coding strand, the complement: FBN1 is on the minus strand). VCF-style: chr15-48488134-T-C. GRCh37 (hg19) VCF-style: chr15-48780331-T-C.
Other names: c.3316A>G, p.Met1106Val (NM_001406716.1); short protein forms M1106V.
Identifiers: ClinVar variation 3763296 (VCV003763296.3).

ClinVar aggregate classification (germline): Uncertain significance. Review status: criteria provided, multiple submitters, no conflicts (2 of 4 stars). 2 submissions from 2 submitters: Uncertain significance (2). Last evaluated 2026-08-20.

Conditions:
Familial thoracic aortic aneurysm and aortic dissection (TAAD). Also called: Thoracic aortic aneurysms and dissections. Identifiers: Orphanet 91387, MedGen C4707243, MONDO:0019625.
Marfan syndrome (MFS). Also called: Marfan syndrome type 1; Marfan's syndrome; MARFAN SYNDROME, TYPE I; FBN1-Related Marfan Syndrome; Marfan syndrome, classic. Identifiers: Orphanet 284963, Orphanet 558, MedGen C0024796, MONDO:0007947, OMIM 154700.

Submissions (2):

Ambry Genetics
Classification: Uncertain significance for Familial thoracic aortic aneurysm and aortic dissection. Last evaluated: 2026-08-20. Review status: criteria provided, single submitter. Criteria: Ambry Variant Classification Scheme 2023. Collection method: clinical testing. Allele origin: germline.
Comment: The p.M1106V variant (also known as c.3316A>G), located in coding exon 26 of the FBN1 gene, results from an A to G substitution at nucleotide position 3316. The methionine at codon 1106 is replaced by valine, an amino acid with highly similar properties. This variant was reported in individual(s) with features consistent with Marfan syndrome and related fibrillinopathies (Hern&aacute;ndiz A et al. Clin Genet, 2021 Feb;99:269-280). This amino acid position is highly conserved in available vertebrate species. In addition, this alteration is predicted to be deleterious by in silico analysis. Based on the available evidence, the clinical significance of this variant remains unclear.

Labcorp Genetics (formerly Invitae), Labcorp
Classification: Uncertain significance for Marfan syndrome; Familial thoracic aortic aneurysm and aortic dissection. Last evaluated: 2024-08-12. Review status: criteria provided, single submitter. Criteria: Invitae Variant Classification Sherloc (09022015). Collection method: clinical testing. Allele origin: germline.
Comment: This sequence change replaces methionine, which is neutral and non-polar, with valine, which is neutral and non-polar, at codon 1106 of the FBN1 protein (p.Met1106Val). This variant is present in population databases (no rsID available, gnomAD 0.003%). This missense change has been observed in individual(s) with type A aortic dissection (PMID: 33174221). Advanced modeling of protein sequence and biophysical properties (such as structural, functional, and spatial information, amino acid conservation, physicochemical variation, residue mobility, and thermodynamic stability) has been performed at Invitae for this missense variant, however the output from this modeling did not meet the statistical confidence thresholds required to predict the impact of this variant on FBN1 protein function. In summary, the available evidence is currently insufficient to determine the role of this variant in disease. Therefore, it has been classified as a Variant of Uncertain Significance.

Literature cited by the submitters: PubMed 33174221 (cited by Ambry Genetics and Labcorp Genetics (formerly Invitae), Labcorp).